The following is an entry in ClinVar:

ClinVar aggregate classification (germline): Pathogenic (1 of 4 stars; one submission).

Conditions:
Pulmonary fibrosis and/or bone marrow failure, Telomere-related, 3. Also called: PULMONARY FIBROSIS AND/OR BONE MARROW FAILURE SYNDROME, TELOMERE-RELATED, 3. Identifiers: Orphanet 2032, MedGen C4225346, MONDO:0014613, OMIM 616373.
Dyskeratosis congenita, autosomal recessive 5 (DKCB5). Identifiers: MedGen C3554656, MONDO:0014076, OMIM 615190.

Submission:

Labcorp Genetics (formerly Invitae), Labcorp
Classification: Pathogenic for Dyskeratosis congenita, autosomal recessive 5; Pulmonary fibrosis and/or bone marrow failure, Telomere-related, 3. Last evaluated: 2023-05-05. Review status: criteria provided, single submitter. Criteria: Invitae Variant Classification Sherloc (09022015). Collection method: clinical testing. Allele origin: germline.
Comment: For these reasons, this variant has been classified as Pathogenic. This variant has not been reported in the literature in individuals affected with RTEL1-related conditions. This variant is not present in population databases (gnomAD no frequency). This sequence change creates a premature translational stop signal (p.Pro561Leufs*103) in the RTEL1 gene. It is expected to result in an absent or disrupted protein product. Loss-of-function variants in RTEL1 are known to be pathogenic (PMID: 23453664, 23959892, 25607374).

Literature cited by the submitters: PubMed 23453664; PubMed 23959892; PubMed 25607374.

NM_001283009.2(RTEL1):c.1682_1686del (p.Pro561fs)

Genes: RTEL1 (regulator of telomere elongation helicase 1; plus strand), RTEL1-TNFRSF6B (RTEL1-TNFRSF6B readthrough (NMD candidate); plus strand). Cytogenetic location: 20q13.33.
Variant type: Microsatellite.
Coding change: c.1682_1686del on transcript NM_001283009.2 (MANE Select); coding-DNA positions 1682 to 1686, 5 bases deleted (CTTCC; older notation c.1682_1686delCTTCC).
Protein change: p.Pro561fs; shifts the reading frame from proline 561.
Molecular consequence: frameshift variant. On other transcripts: non-coding transcript variant (1).
Genome position (GRCh38, 1-based): chr20:63,688,346-63,688,350, CTTCC deleted; deleting any 5 consecutive bases within chr20:63,688,341-63,688,350 gives the same sequence; the c. name uses the placement nearest the transcript's 3' end. VCF-style (leftmost placement, unchanged base first): chr20-63688340-TCTTCC-T. GRCh37 (hg19) VCF-style: chr20-62319693-TCTTCC-T.
Other names: c.1013_1017del, p.Pro338fs (NM_001283010.1); c.1682_1686del, p.Pro561fs (NM_016434.4); c.1754_1758del, p.Pro585fs (NM_032957.5); short protein forms P338fs, P585fs, P561fs.
Identifiers: ClinVar variation 2933144 (VCV002933144.3), dbSNP rs2517119770, ClinGen allele CA2740094658.